The following is an entry in ClinVar:

ClinVar aggregate classification (germline): Pathogenic (1 of 4 stars; one submission).

Conditions:
Landau-Kleffner syndrome (FESD). Also called: EPILEPSY, FOCAL, WITH SPEECH DISORDER AND WITH OR WITHOUT MENTAL RETARDATION; APHASIA, ACQUIRED, WITH EPILEPSY. Identifiers: Orphanet 1945, Orphanet 725, Orphanet 98818, MedGen C0282512, MONDO:0009509, OMIM 245570.

Submission:

Labcorp Genetics (formerly Invitae), Labcorp
Classification: Pathogenic for Landau-Kleffner syndrome. Last evaluated: 2020-08-25. Review status: criteria provided, single submitter. Criteria: Invitae Variant Classification Sherloc (09022015). Collection method: clinical testing. Allele origin: germline.
Comment: This variant has not been reported in the literature in individuals with GRIN2A-related conditions. This sequence change creates a premature translational stop signal (p.Trp284*) in the GRIN2A gene. It is expected to result in an absent or disrupted protein product. This variant is not present in population databases (ExAC no frequency). Algorithms developed to predict the effect of sequence changes on RNA splicing suggest that this variant may create or strengthen a splice site, but this prediction has not been confirmed by published transcriptional studies. Loss-of-function variants in GRIN2A are known to be pathogenic (PMID: 23933819, 23933820). For these reasons, this variant has been classified as Pathogenic.

Literature cited by the submitters: PubMed 23933819; PubMed 23933820.

NM_001134407.3(GRIN2A):c.851G>A (p.Trp284Ter)

Gene: GRIN2A (glutamate ionotropic receptor NMDA type subunit 2A; minus strand). Cytogenetic location: 16p13.2.
Variant type: single nucleotide variant.
Coding change: c.851G>A on transcript NM_001134407.3 (MANE Select); coding-DNA position 851, G replaced by A.
Protein change: p.Trp284Ter; replaces tryptophan 284 with a stop codon.
Molecular consequence: nonsense.
Genome position (GRCh38, 1-based): chr16:9,938,115, C>T on the plus strand (G>A on the coding strand, the complement: GRIN2A is on the minus strand). VCF-style: chr16-9938115-C-T. GRCh37 (hg19) VCF-style: chr16-10031972-C-T.
Other names: c.851G>A, p.Trp284Ter (NM_000833.5, NM_001134408.2); short protein forms W284*.
Identifiers: ClinVar variation 951823 (VCV000951823.8), dbSNP rs1555455620, ClinGen allele CA394798362.